The following is an entry in ClinVar:

ClinVar aggregate classification (germline): Uncertain significance (1 of 4 stars; one submission).

Conditions:
Hyperphosphatasia with impaired intellectual development syndrome 2. Also called: Hyperphosphatasia with intellectual disability syndrome 2; GLYCOSYLPHOSPHATIDYLINOSITOL BIOSYNTHESIS DEFECT 6. Identifiers: Orphanet 247262, MedGen C3553637, MONDO:0013882, OMIM 614749.

Allele frequency attached by ClinVar (database versions not stated): ExAC 0.00001; gnomAD 0.00001; 1000 Genomes Project 30x 0.00016; 1000 Genomes Project 0.00020.
gnomAD v4.1: 1 of 1,614,268 alleles (0.000062%); highest among the groups gnomAD compares: East Asian, 0.0022%; no homozygotes.

Submission:

Labcorp Genetics (formerly Invitae), Labcorp
Classification: Uncertain significance for Hyperphosphatasia with impaired intellectual development syndrome 2. Last evaluated: 2022-02-21. Review status: criteria provided, single submitter. Criteria: Invitae Variant Classification Sherloc (09022015). Collection method: clinical testing. Allele origin: germline.
Comment: This sequence change replaces valine, which is neutral and non-polar, with methionine, which is neutral and non-polar, at codon 424 of the PIGO protein (p.Val424Met). In summary, the available evidence is currently insufficient to determine the role of this variant in disease. Therefore, it has been classified as a Variant of Uncertain Significance. Algorithms developed to predict the effect of missense changes on protein structure and function (SIFT, PolyPhen-2, Align-GVGD) all suggest that this variant is likely to be tolerated. This variant has not been reported in the literature in individuals affected with PIGO-related conditions. This variant is not present in population databases (gnomAD no frequency).

NM_032634.4(PIGO):c.1270G>A (p.Val424Met)

Gene: PIGO (phosphatidylinositol glycan anchor biosynthesis class O; minus strand). Cytogenetic location: 9p13.3.
Variant type: single nucleotide variant.
Coding change: c.1270G>A on transcript NM_032634.4 (MANE Select); coding-DNA position 1270, G replaced by A.
Protein change: p.Val424Met; replaces valine 424 with methionine.
Molecular consequence: missense variant.
Genome position (GRCh38, 1-based): chr9:35,092,617, C>T on the plus strand (G>A on the coding strand, the complement: PIGO is on the minus strand). VCF-style: chr9-35092617-C-T. GRCh37 (hg19) VCF-style: chr9-35092614-C-T.
Other names: c.1270G>A, p.Val424Met (NM_001201484.2, NM_152850.4); short protein forms V424M.
Identifiers: ClinVar variation 2101029 (VCV002101029.4), dbSNP rs201781179, ClinGen allele CA5040677.